The following is an entry in ClinVar:

ClinVar aggregate classification (germline): Uncertain significance (1 of 4 stars; one submission).

Conditions:
Hereditary cancer-predisposing syndrome. Also called: Neoplastic Syndromes, Hereditary; Tumor predisposition; Hereditary neoplastic syndrome; Hereditary Cancer Syndrome. Identifiers: Orphanet 140162, MedGen C0027672, MeSH D009386, MONDO:0015356.

Submission:

Ambry Genetics
Classification: Uncertain significance for Hereditary cancer-predisposing syndrome. Last evaluated: 2026-07-08. Review status: criteria provided, single submitter. Criteria: Ambry Variant Classification Scheme 2023. Collection method: clinical testing. Allele origin: germline.
Comment: The p.T2241K variant (also known as c.6722C>A), located in coding exon 10 of the BRCA2 gene, results from a C to A substitution at nucleotide position 6722. The threonine at codon 2241 is replaced by lysine, an amino acid with similar properties. This amino acid position is conserved. In addition, the in silico prediction for this alteration is inconclusive. Based on the available evidence, the clinical significance of this variant remains unclear.

NM_000059.4(BRCA2):c.6722C>A (p.Thr2241Lys)

Gene: BRCA2 (BRCA2 DNA repair associated; plus strand). Cytogenetic location: 13q13.1.
Variant type: single nucleotide variant.
Coding change: c.6722C>A on transcript NM_000059.4 (MANE Select); coding-DNA position 6722, C replaced by A.
Protein change: p.Thr2241Lys; replaces threonine 2241 with lysine.
Molecular consequence: missense variant. On other transcripts: non-coding transcript variant (1), intron variant (2).
Genome position (GRCh38, 1-based): chr13:32,341,077, C>A. VCF-style: chr13-32341077-C-A. GRCh37 (hg19) VCF-style: chr13-32915214-C-A.
Other names: c.6722C>A, p.Thr2241Lys (NM_001406719.1, NM_001406720.1, NM_001432077.1); c.1910-3481C>A (NM_001406721.1); c.425-3481C>A (NM_001406722.1); short protein forms T2241K.
Identifiers: ClinVar variation 5033302 (VCV005033302.1).